The following is an entry in ClinVar:

NM_006790.3(MYOT):c.1129C>A (p.Pro377Thr)

Genes: MYOT (myotilin; plus strand), PKD2L2-DT (PKD2L2 divergent transcript; minus strand). Cytogenetic location: 5q31.2.
Variant type: single nucleotide variant.
Coding change: c.1129C>A on transcript NM_006790.3 (MANE Select); coding-DNA position 1129, C replaced by A.
Protein change: p.Pro377Thr; replaces proline 377 with threonine.
Molecular consequence: missense variant.
Genome position (GRCh38, 1-based): chr5:137,886,152, C>A. VCF-style: chr5-137886152-C-A. GRCh37 (hg19) VCF-style: chr5-137221841-C-A.
Other names: c.577C>A, p.Pro193Thr (NM_001135940.2); c.784C>A, p.Pro262Thr (NM_001300911.2); short protein forms P377T, P262T, P193T.
Identifiers: ClinVar variation 2694184 (VCV002694184.3), dbSNP rs2532024070, ClinGen allele CA361056198.

ClinVar aggregate classification (germline): Uncertain significance (1 of 4 stars; one submission).

Conditions:
Myofibrillar myopathy 3 (MFM3). Also called: Muscular dystrophy, proximal, type 1A; Autosomal dominant spheroid body myopathy. Identifiers: Orphanet 266, Orphanet 268129, MedGen C3714934, MONDO:0012215, OMIM 609200.

Submission:

Labcorp Genetics (formerly Invitae), Labcorp
Classification: Uncertain significance for Myofibrillar myopathy 3. Last evaluated: 2023-11-07. Review status: criteria provided, single submitter. Criteria: Invitae Variant Classification Sherloc (09022015). Collection method: clinical testing. Allele origin: germline.
Comment: This sequence change replaces proline, which is neutral and non-polar, with threonine, which is neutral and polar, at codon 377 of the MYOT protein (p.Pro377Thr). This variant is not present in population databases (gnomAD no frequency). This variant has not been reported in the literature in individuals affected with MYOT-related conditions. Advanced modeling of protein sequence and biophysical properties (such as structural, functional, and spatial information, amino acid conservation, physicochemical variation, residue mobility, and thermodynamic stability) performed at Invitae indicates that this missense variant is not expected to disrupt MYOT protein function with a negative predictive value of 80%. In summary, the available evidence is currently insufficient to determine the role of this variant in disease. Therefore, it has been classified as a Variant of Uncertain Significance.